The following is an entry in ClinVar:

NM_001005337.3(PKP1):c.*856C>T

Gene: PKP1 (plakophilin 1; plus strand). Cytogenetic location: 1q32.1.
Variant type: single nucleotide variant.
Coding change: c.*856C>T on transcript NM_001005337.3 (MANE Select); 856 bases downstream of the stop codon, C replaced by T.
Molecular consequence: 3 prime UTR variant.
Genome position (GRCh38, 1-based): chr1:201,330,897, C>T. VCF-style: chr1-201330897-C-T. GRCh37 (hg19) VCF-style: chr1-201300025-C-T.
Other names: c.*856C>T (NM_000299.4).
Identifiers: ClinVar variation 294855 (VCV000294855.6), dbSNP rs1104755, ClinGen allele CA10609458.
Genomic context (GRCh38, chr1:201,330,897, plus strand): 5'-GAGCTGAAAGATGGTGCCTTCCACCCTCTTGGGCTGTGTGCCCATCAGAGCAGGCTCAGC[C>T]TGCAAAGGCCCTGCATTCAGAGGTCTTGTAATCTACTTGTTGCAGGAGAAAGAAGGTAAA-3'

ClinVar aggregate classification (germline): Benign. Review status: criteria provided, multiple submitters, no conflicts (2 of 4 stars). 2 submissions from 2 submitters: Benign (2). Last evaluated 2018-01-12.

Conditions:
Epidermolysis bullosa simplex due to plakophilin deficiency. Also called: MCGRATH SYNDROME. Identifiers: Orphanet 158668, MedGen C1858302, MONDO:0011472, OMIM 604536.

Allele frequency attached by ClinVar (database versions not stated): gnomAD exomes 0.14286; gnomAD 0.14755 and 0.14845; TOPMed 0.14822; 1000 Genomes Project 0.16394; 1000 Genomes Project 30x 0.16661.
gnomAD v4.1: 22,393 of 152,294 alleles (15%); highest among the groups gnomAD compares: African/African-American, 26%; 2,099 homozygotes.

Submissions (2):

Illumina Laboratory Services, Illumina
Classification: Benign for Epidermolysis bullosa simplex due to plakophilin deficiency. Last evaluated: 2018-01-12. Review status: criteria provided, single submitter. Criteria: ICSL Variant Classification Criteria 13 December 2019. Collection method: clinical testing. Allele origin: germline.
Comment: This variant was observed in the ICSL laboratory as part of a predisposition screen in an ostensibly healthy population. It had not been previously curated by ICSL or reported in the Human Gene Mutation Database (HGMD: prior to June 1st, 2018), and was therefore a candidate for classification through an automated scoring system. Utilizing variant allele frequency, disease prevalence and penetrance estimates, and inheritance mode, an automated score was calculated to assess if this variant is too frequent to cause the disease. Based on the score and internal cut-off values, a variant classified as benign is not then subjected to further curation. The score for this variant resulted in a classification of benign for this disease.

Breakthrough Genomics
Classification: Benign. Review status: criteria provided, single submitter. Criteria: ACMG Guidelines, 2015. Collection method: not provided. Allele origin: germline. Inheritance: Autosomal recessive inheritance. Affected: yes.